The following is an entry in ClinVar:

NM_000186.4(CFH):c.484A>G (p.Met162Val)

Gene: CFH (complement factor H; plus strand). Cytogenetic location: 1q31.3.
Variant type: single nucleotide variant.
Coding change: c.484A>G on transcript NM_000186.4 (MANE Select); coding-DNA position 484, A replaced by G.
Protein change: p.Met162Val; replaces methionine 162 with valine.
Molecular consequence: missense variant.
Genome position (GRCh38, 1-based): chr1:196,677,532, A>G. VCF-style: chr1-196677532-A-G. GRCh37 (hg19) VCF-style: chr1-196646662-A-G.
Other names: c.484A>G, p.Met162Val (NM_001014975.3); short protein forms M162V.
Identifiers: ClinVar variation 2202898 (VCV002202898.5), dbSNP rs770510652, ClinGen allele CA1305076.

ClinVar aggregate classification (germline): Uncertain significance. Review status: criteria provided, multiple submitters, no conflicts (2 of 4 stars). 2 submissions from 2 submitters: Uncertain significance (2). Last evaluated 2026-01-13.

Conditions:
Atypical hemolytic-uremic syndrome. Identifiers: Orphanet 2134, MedGen C2931788, MONDO:0016244.

Allele frequency attached by ClinVar (database versions not stated): TOPMed below 0.00001; gnomAD 0.00001; gnomAD exomes 0.00001; ExAC 0.00002.

Submissions (2):

Labcorp Genetics (formerly Invitae), Labcorp
Classification: Uncertain significance. Last evaluated: 2026-01-13. Review status: criteria provided, single submitter. Criteria: Invitae Variant Classification Sherloc (09022015). Collection method: clinical testing. Allele origin: germline.
Comment: This sequence change replaces methionine, which is neutral and non-polar, with valine, which is neutral and non-polar, at codon 162 of the CFH protein (p.Met162Val). This variant is present in population databases (rs770510652, gnomAD 0.04%). This missense change has been observed in individual(s) with hemolytic uremic syndrome (PMID: 23307876). ClinVar contains an entry for this variant (Variation ID: 2202898). An algorithm developed to predict the effect of missense changes on protein structure and function outputs the following: PolyPhen-2: "Benign". The valine amino acid residue is found in multiple mammalian species, which suggests that this missense change does not adversely affect protein function. Experimental studies have shown that this missense change does not substantially affect CFH function (PMID: 33519811). In summary, the available evidence is currently insufficient to determine the role of this variant in disease. Therefore, it has been classified as a Variant of Uncertain Significance.

Genomenon, Inc
Classification: Uncertain significance for Atypical hemolytic-uremic syndrome. Last evaluated: 2025-10-02. Review status: criteria provided, single submitter. Criteria: Genomenon Sequence Variant Interpretation Standards - Updated. Collection method: curation. Allele origin: germline. Affected: yes.
Comment: CFH p.Met162Val (c.484A>G) is a missense variant that changes the amino acid at residue 162 from Methionine to Valine. This variant has been observed in at least one proband affected with atypical hemolytic-uremic syndrome (PMID:23307876). Functional studies have been reported (PMID:33519811;34189567). It is absent or not present at a significant frequency in gnomAD. In silico models agree that this variant is not damaging. In conclusion, we classify CFH p.Met162Val (c.484A>G) as a variant of uncertain significance.

Literature cited by the submitters: PubMed 23307876 (cited by Labcorp Genetics (formerly Invitae), Labcorp and Genomenon, Inc); PubMed 33519811 (cited by Labcorp Genetics (formerly Invitae), Labcorp and Genomenon, Inc); PubMed 34189567 (cited by Genomenon, Inc).